The following is an entry in ClinVar:

ClinVar aggregate classification (germline): Uncertain significance (1 of 4 stars; one submission).

Allele frequency attached by ClinVar (database versions not stated): gnomAD exomes below 0.00001; TOPMed 0.00001.
gnomAD v4.1: 4 of 1,614,216 alleles (0.00025%); highest among the groups gnomAD compares: Non-Finnish European, 0.00025%; no homozygotes.

Submission:

Labcorp Genetics (formerly Invitae), Labcorp
Classification: Uncertain significance. Last evaluated: 2025-12-03. Review status: criteria provided, single submitter. Criteria: Invitae Variant Classification Sherloc (09022015). Collection method: clinical testing. Allele origin: germline.
Comment: This sequence change replaces phenylalanine, which is neutral and non-polar, with leucine, which is neutral and non-polar, at codon 217 of the ANKZF1 protein (p.Phe217Leu). This variant is not present in population databases (gnomAD no frequency). This variant has not been reported in the literature in individuals affected with ANKZF1-related conditions. ClinVar contains an entry for this variant (Variation ID: 1976899). An algorithm developed to predict the effect of missense changes on protein structure and function (PolyPhen-2) suggests that this variant is likely to be disruptive. In summary, the available evidence is currently insufficient to determine the role of this variant in disease. Therefore, it has been classified as a Variant of Uncertain Significance.

NM_018089.3(ANKZF1):c.649T>C (p.Phe217Leu)

Gene: ANKZF1 (ankyrin repeat and zinc finger peptidyl tRNA hydrolase 1; plus strand). Cytogenetic location: 2q35.
Variant type: single nucleotide variant.
Coding change: c.649T>C on transcript NM_018089.3 (MANE Select); coding-DNA position 649, T replaced by C.
Protein change: p.Phe217Leu; replaces phenylalanine 217 with leucine.
Molecular consequence: missense variant.
Genome position (GRCh38, 1-based): chr2:219,233,169, T>C. VCF-style: chr2-219233169-T-C. GRCh37 (hg19) VCF-style: chr2-220097891-T-C.
Other names: c.649T>C, p.Phe217Leu (NM_001042410.2); c.19T>C, p.Phe7Leu (NM_001282792.2); short protein forms F217L, F7L.
Identifiers: ClinVar variation 1976899 (VCV001976899.5), dbSNP rs1305924170, ClinGen allele CA350674657.